The following is an entry in ClinVar:

ClinVar aggregate classification (germline): Uncertain significance. Review status: criteria provided, multiple submitters, no conflicts (2 of 4 stars). 2 submissions from 2 submitters: Uncertain significance (2). Last evaluated 2023-04-22.

Conditions:
Hereditary cancer-predisposing syndrome. Also called: Tumor predisposition; Neoplastic Syndromes, Hereditary; Hereditary Cancer Syndrome; Hereditary neoplastic syndrome. Identifiers: Orphanet 140162, MedGen C0027672, MeSH D009386, MONDO:0015356.
Familial adenomatous polyposis 1 (FAP1). Also called: POLYPOSIS, ADENOMATOUS INTESTINAL; FAMILIAL ADENOMATOUS POLYPOSIS 1, ATTENUATED. Identifiers: MedGen C2713442, MONDO:0021056, OMIM 175100. Disease mechanism: loss of function.

Submissions (2):

Labcorp Genetics (formerly Invitae), Labcorp
Classification: Uncertain significance for Familial adenomatous polyposis 1. Last evaluated: 2023-04-22. Review status: criteria provided, single submitter. Criteria: Invitae Variant Classification Sherloc (09022015). Collection method: clinical testing. Allele origin: germline.
Comment: In summary, the available evidence is currently insufficient to determine the role of this variant in disease. Therefore, it has been classified as a Variant of Uncertain Significance. Advanced modeling of protein sequence and biophysical properties (such as structural, functional, and spatial information, amino acid conservation, physicochemical variation, residue mobility, and thermodynamic stability) performed at Invitae indicates that this missense variant is not expected to disrupt APC protein function. ClinVar contains an entry for this variant (Variation ID: 1381606). This variant has not been reported in the literature in individuals affected with APC-related conditions. This variant is not present in population databases (gnomAD no frequency). This sequence change replaces methionine, which is neutral and non-polar, with threonine, which is neutral and polar, at codon 2647 of the APC protein (p.Met2647Thr).

Sema4
Classification: Uncertain significance for Hereditary cancer-predisposing syndrome. Last evaluated: 2021-07-23. Review status: criteria provided, single submitter. Criteria: Sema4 Curation Guidelines. Collection method: curation. Allele origin: germline.
Comment: The APC c.7940T>C (p.M2647T) variant has not been reported in the literature to our knowledge. It was not observed in the large and broad cohorts of the Genome Aggregation Database (PMID: 32461654), nor has it been reported in ClinVar. Functional studies have not been performed and in silico predictions of the variant's effect on protein function are inconclusive. The evidence is insufficient to meet ACMG/AMP criteria for classifying the variant as benign or pathogenic. Thus, the clinical significance of this variant is currently uncertain.

NM_000038.6(APC):c.7940T>C (p.Met2647Thr)

Gene: APC (APC regulator of Wnt signaling pathway; plus strand). Cytogenetic location: 5q22.2.
Variant type: single nucleotide variant.
Coding change: c.7940T>C on transcript NM_000038.6 (MANE Select); coding-DNA position 7940, T replaced by C.
Protein change: p.Met2647Thr; replaces methionine 2647 with threonine.
Molecular consequence: missense variant.
Genome position (GRCh38, 1-based): chr5:112,843,534, T>C. VCF-style: chr5-112843534-T-C. GRCh37 (hg19) VCF-style: chr5-112179231-T-C.
Other names: c.7940T>C, p.Met2647Thr (NM_001127510.3, NM_001354895.2); c.7886T>C, p.Met2629Thr (NM_001127511.3); c.7994T>C, p.Met2665Thr (NM_001354896.2); c.7970T>C, p.Met2657Thr (NM_001354897.2); c.7865T>C, p.Met2622Thr (NM_001354898.2); c.7856T>C, p.Met2619Thr (NM_001354899.2); c.7817T>C, p.Met2606Thr (NM_001354900.2); c.7763T>C, p.Met2588Thr (NM_001354901.2); and 5 more; short protein forms M2487T, M2546T, M2588T, M2622T, M2556T, M2647T, M2665T, M2364T.
Identifiers: ClinVar variation 1381606 (VCV001381606.7), dbSNP rs879047773, ClinGen allele CA16038574.
Genomic context (GRCh38, chr5:112,843,534, plus strand): 5'-CTCAGACCGTTTCCTCAGGTGCTACAAATGGTGCTGAATCAAAGACTCTAATTTATCAAA[T>C]GGCACCTGCTGTTTCTAAAACAGAGGATGTTTGGGTGAGAATTGAGGACTGTCCCATTAA-3'
Protein context (NP_000029.2, residues 2637-2657): GAESKTLIYQ[Met2647Thr]APAVSKTEDV